The following is an entry in ClinVar:

NM_000059.4(BRCA2):c.4189G>C (p.Glu1397Gln)

Gene: BRCA2 (BRCA2 DNA repair associated; plus strand). Cytogenetic location: 13q13.1.
Variant type: single nucleotide variant.
Coding change: c.4189G>C on transcript NM_000059.4 (MANE Select); coding-DNA position 4189, G replaced by C.
Protein change: p.Glu1397Gln; replaces glutamic acid 1397 with glutamine.
Molecular consequence: missense variant. On other transcripts: non-coding transcript variant (1), intron variant (2).
Genome position (GRCh38, 1-based): chr13:32,338,544, G>C. VCF-style: chr13-32338544-G-C. GRCh37 (hg19) VCF-style: chr13-32912681-G-C.
Other names: c.4189G>C, p.Glu1397Gln (NM_001406719.1, NM_001406720.1); c.1909+5157G>C (NM_001406721.1); c.425-6014G>C (NM_001406722.1); short protein forms E1397Q.
Identifiers: ClinVar variation 2566019 (VCV002566019.2), dbSNP rs28897726, ClinGen allele CA387780160.

ClinVar aggregate classification (germline): Uncertain significance (1 of 4 stars; one submission).

Conditions:
Hereditary cancer-predisposing syndrome. Also called: Neoplastic Syndromes, Hereditary; Hereditary Cancer Syndrome; Hereditary neoplastic syndrome; Tumor predisposition. Identifiers: Orphanet 140162, MedGen C0027672, MeSH D009386, MONDO:0015356.

Submission:

Ambry Genetics
Classification: Uncertain significance for Hereditary cancer-predisposing syndrome. Last evaluated: 2023-05-05. Review status: criteria provided, single submitter. Criteria: Ambry Variant Classification Scheme 2023. Collection method: clinical testing. Allele origin: germline.
Comment: The p.E1397Q variant (also known as c.4189G>C), located in coding exon 10 of the BRCA2 gene, results from a G to C substitution at nucleotide position 4189. The glutamic acid at codon 1397 is replaced by glutamine, an amino acid with highly similar properties. This amino acid position is well conserved in available vertebrate species. In addition, this alteration is predicted to be tolerated by in silico analysis. Since supporting evidence is limited at this time, the clinical significance of this alteration remains unclear.